The following is an entry in ClinVar:

ClinVar aggregate classification (germline): Pathogenic/Likely pathogenic. Review status: criteria provided, multiple submitters, no conflicts (2 of 4 stars). 4 submissions from 4 submitters: Pathogenic (2); Likely pathogenic (2). Last evaluated 2024-05-22.

Conditions:
Maturity-onset diabetes of the young (MODY). Also called: Maturity onset diabetes mellitus in young. Identifiers: Orphanet 552, MedGen C0342276, MONDO:0018911, HP:0004904.

Submissions (4):

Labcorp Genetics (formerly Invitae), Labcorp
Classification: Likely pathogenic. Last evaluated: 2024-05-22. Review status: criteria provided, single submitter. Criteria: Invitae Variant Classification Sherloc (09022015). Collection method: clinical testing. Allele origin: germline.
Comment: This sequence change affects a donor splice site in intron 2 of the HNF4A gene. It is expected to disrupt RNA splicing. Variants that disrupt the donor or acceptor splice site typically lead to a loss of protein function (PMID: 16199547), and loss-of-function variants in HNF4A are known to be pathogenic (PMID: 20164212, 23275527, 23348805, 24097065). This variant is not present in population databases (gnomAD no frequency). This variant has not been reported in the literature in individuals affected with HNF4A-related conditions. ClinVar contains an entry for this variant (Variation ID: 804913). Algorithms developed to predict the effect of sequence changes on RNA splicing suggest that this variant may disrupt the consensus splice site. In summary, the currently available evidence indicates that the variant is pathogenic, but additional data are needed to prove that conclusively. Therefore, this variant has been classified as Likely Pathogenic.

Genetic Services Laboratory, University of Chicago
Classification: Pathogenic. Last evaluated: 2021-05-26. Review status: criteria provided, single submitter. Criteria: ACMG Guidelines, 2015. Collection method: clinical testing. Allele origin: germline. Affected: yes.

Athena Diagnostics
Classification: Pathogenic. Last evaluated: 2019-06-28. Review status: criteria provided, single submitter. Criteria: Athena Diagnostics Criteria. Collection method: clinical testing. Allele origin: germline.
Comment: The variant disrupts a canonical splice site, and is therefore predicted to result in the loss of a functional protein. Found in at least one symptomatic patient, and not found in general population data.

Clinical Genomics, Uppaluri K&H Personalized Medicine Clinic
Classification: Likely pathogenic for Maturity-onset diabetes of the young. Review status: criteria provided, single submitter. Criteria: K & H Uppaluri Personalized Medicine Clinic Variant Classification & Assertion Criteria_Updated V.1. Collection method: research. Allele origin: unknown. Inheritance: Autosomal dominant inheritance.
Comment: Potent mutations in HNF4A are associated with poor insulin secretion in response to hyperglycemia. Associated with MODY1. Patients initially respond well to sulfonylureas but eventually become insulin dependent. However, more evidence is required to ascertain the role of this particular variant rs1600707958 in MODY, yet.

Literature cited by the submitters: PubMed 16199547 (cited by Labcorp Genetics (formerly Invitae), Labcorp); PubMed 20164212 (cited by Labcorp Genetics (formerly Invitae), Labcorp); PubMed 23275527 (cited by Labcorp Genetics (formerly Invitae), Labcorp); PubMed 23348805 (cited by Labcorp Genetics (formerly Invitae), Labcorp); PubMed 24097065 (cited by Labcorp Genetics (formerly Invitae), Labcorp); DOI 10.1159/000334532 (cited by Clinical Genomics, Uppaluri K&H Personalized Medicine Clinic); PubMed 18268044 (cited by Clinical Genomics, Uppaluri K&H Personalized Medicine Clinic); PubMed 17563455 (cited by Clinical Genomics, Uppaluri K&H Personalized Medicine Clinic); PubMed 32583173 (cited by Clinical Genomics, Uppaluri K&H Personalized Medicine Clinic); PubMed 35052457 (cited by Clinical Genomics, Uppaluri K&H Personalized Medicine Clinic); PubMed 35118593 (cited by Clinical Genomics, Uppaluri K&H Personalized Medicine Clinic).

NM_175914.5(HNF4A):c.224+1G>A

Gene: HNF4A (hepatocyte nuclear factor 4 alpha; plus strand). Cytogenetic location: 20q13.12.
Variant type: single nucleotide variant.
Coding change: c.224+1G>A on transcript NM_175914.5 (MANE Select); the canonical splice donor site of the intron after coding-DNA position 224, G replaced by A.
Molecular consequence: splice donor variant.
Genome position (GRCh38, 1-based): chr20:44,406,233, G>A. VCF-style: chr20-44406233-G-A. GRCh37 (hg19) VCF-style: chr20-43034873-G-A.
Other names: c.215+1G>A (NM_001287182.2, NM_001287183.2, NM_001287184.2); c.224+1G>A (NM_001030003.3, NM_001030004.3); c.269+1G>A (NM_001258355.2); c.290+1G>A (NM_178849.3, NM_000457.6, NM_178850.3).
Identifiers: ClinVar variation 804913 (VCV000804913.9), dbSNP rs1600707958, ClinGen allele CA409104034.